The following is an entry in ClinVar:

NM_000052.7(ATP7A):c.1856T>C (p.Ile619Thr)

Gene: ATP7A (ATPase copper transporting alpha; plus strand). Cytogenetic location: Xq21.1.
Variant type: single nucleotide variant.
Coding change: c.1856T>C on transcript NM_000052.7 (MANE Select); coding-DNA position 1856, T replaced by C.
Protein change: p.Ile619Thr; replaces isoleucine 619 with threonine.
Molecular consequence: missense variant.
Genome position (GRCh38, 1-based): chrX:78,009,250, T>C. VCF-style: chrX-78009250-T-C. GRCh37 (hg19) VCF-style: chrX-77264747-T-C.
Other names: c.1856T>C, p.Ile619Thr (NM_001282224.2); c.1856T>C (NM_000052.6); short protein forms I619T.
Identifiers: ClinVar variation 589159 (VCV000589159.15), dbSNP rs1569549841, ClinGen allele CA413597501.

ClinVar aggregate classification (germline): Conflicting classifications of pathogenicity. Review status: criteria provided, conflicting classifications (1 of 4 stars). 4 submissions from 4 submitters: Uncertain significance (1); Likely benign (2). 1 of the submissions does not count toward it. Last evaluated 2024-10-16.

Conditions:
ATP7A-related disorder. Also called: ATP7A-related condition.
Inborn genetic diseases. Identifiers: MedGen C0950123, MeSH D030342.
Menkes kinky-hair syndrome (MNK). Also called: Menkes Disease; Copper transport disease; Classic Menkes Disease. Identifiers: Orphanet 565, MedGen C0022716, MONDO:0010651, OMIM 309400.
Cutis laxa, X-linked (OHS). Also called: EDS IX; Occipital horn syndrome. Identifiers: Orphanet 198, MedGen C0268353, MONDO:0010572, OMIM 304150.
X-linked distal spinal muscular atrophy type 3. Also called: ATP7A-Related Distal Motor Neuropathy; NEURONOPATHY, DISTAL HEREDITARY MOTOR, X-LINKED; NEUROPATHY, DISTAL HEREDITARY MOTOR, X-LINKED; SPINAL MUSCULAR ATROPHY, DISTAL, X-LINKED RECESSIVE. Identifiers: Orphanet 139557, MedGen C1845359, MONDO:0010338, OMIM 300489.

Allele frequency attached by ClinVar (database versions not stated): gnomAD exomes below 0.00001; TOPMed 0.00001.
gnomAD v4.1: 4 of 1,209,643 alleles (0.00033%); highest among the groups gnomAD compares: Admixed American, 0.0044%; no homozygotes.

Submissions (4):

Labcorp Genetics (formerly Invitae), Labcorp
Classification: Uncertain significance for X-linked distal spinal muscular atrophy type 3; Cutis laxa, X-linked; Menkes kinky-hair syndrome. Last evaluated: 2024-10-16. Review status: criteria provided, single submitter. Criteria: Invitae Variant Classification Sherloc (09022015). Collection method: clinical testing. Allele origin: germline.
Comment: This sequence change replaces isoleucine, which is neutral and non-polar, with threonine, which is neutral and polar, at codon 619 of the ATP7A protein (p.Ile619Thr). This variant is not present in population databases (gnomAD no frequency). This variant has not been reported in the literature in individuals affected with ATP7A-related conditions. ClinVar contains an entry for this variant (Variation ID: 589159). Invitae Evidence Modeling of protein sequence and biophysical properties (such as structural, functional, and spatial information, amino acid conservation, physicochemical variation, residue mobility, and thermodynamic stability) indicates that this missense variant is not expected to disrupt ATP7A protein function with a negative predictive value of 95%. In summary, the available evidence is currently insufficient to determine the role of this variant in disease. Therefore, it has been classified as a Variant of Uncertain Significance.

Mendelics
Classification: Likely benign for Menkes kinky-hair syndrome. Last evaluated: 2019-05-28. Review status: criteria provided, single submitter. Criteria: Mendelics Assertion Criteria 2017. Collection method: clinical testing. Allele origin: unknown.

Ambry Genetics
Classification: Likely benign for Inborn genetic diseases. Last evaluated: 2017-10-04. Review status: criteria provided, single submitter. Criteria: Ambry Variant Classification Scheme 2023. Collection method: clinical testing. Allele origin: germline.

PreventionGenetics, part of Exact Sciences
Classification: Uncertain significance for ATP7A-related condition. Last evaluated: 2023-11-10. Review status: no assertion criteria provided. Collection method: clinical testing. Allele origin: germline. Not counted in ClinVar's aggregate classification.
Comment: The ATP7A c.1856T>C variant is predicted to result in the amino acid substitution p.Ile619Thr. To our knowledge, this variant has not been reported in the literature or in a large population database, indicating this variant is rare. At this time, the clinical significance of this variant is uncertain due to the absence of conclusive functional and genetic evidence.

Literature cited by the submitters: PubMed 16083905 (cited by Ambry Genetics).